The following is an entry in ClinVar:

ClinVar aggregate classification (germline): Uncertain significance (1 of 4 stars; one submission).

Conditions:
Developmental and epileptic encephalopathy, 53. Also called: Epileptic encephalopathy, early infantile, 53. Identifiers: MedGen C4479313, MONDO:0033362, OMIM 617389.
Early-onset Parkinson disease 20. Also called: PARKINSON DISEASE 20, AUTOSOMAL RECESSIVE EARLY-ONSET. Identifiers: Orphanet 391411, MedGen C3809824, MONDO:0014233, OMIM 615530.

Allele frequency attached by ClinVar (database versions not stated): gnomAD exomes below 0.00001; TOPMed below 0.00001; gnomAD 0.00001.
gnomAD v4.1: 2 of 1,614,080 alleles (0.00012%); highest among the groups gnomAD compares: Admixed American, 0.0033%; no homozygotes.

Submission:

Labcorp Genetics (formerly Invitae), Labcorp
Classification: Uncertain significance for Developmental and epileptic encephalopathy, 53; Early-onset Parkinson disease 20. Last evaluated: 2021-11-30. Review status: criteria provided, single submitter. Criteria: Invitae Variant Classification Sherloc (09022015). Collection method: clinical testing. Allele origin: germline.
Comment: This sequence change replaces lysine, which is basic and polar, with arginine, which is basic and polar, at codon 1459 of the SYNJ1 protein (p.Lys1459Arg). In summary, the available evidence is currently insufficient to determine the role of this variant in disease. Therefore, it has been classified as a Variant of Uncertain Significance. Algorithms developed to predict the effect of missense changes on protein structure and function (SIFT, PolyPhen-2, Align-GVGD) all suggest that this variant is likely to be tolerated. This variant has not been reported in the literature in individuals affected with SYNJ1-related conditions. This variant is not present in population databases (gnomAD no frequency).

NM_203446.3(SYNJ1):c.*347A>G

Gene: SYNJ1 (synaptojanin 1; minus strand). Cytogenetic location: 21q22.11.
Variant type: single nucleotide variant.
Coding change: c.*347A>G on transcript NM_203446.3 (MANE Select); 347 bases downstream of the stop codon, A replaced by G.
Molecular consequence: 3 prime UTR variant. On other transcripts: missense variant (2).
Genome position (GRCh38, 1-based): chr21:32,631,458, T>C on the plus strand (A>G on the coding strand, the complement: SYNJ1 is on the minus strand). VCF-style: chr21-32631458-T-C. GRCh37 (hg19) VCF-style: chr21-34003768-T-C.
Other names: c.*347A>G (NM_001160302.2); c.4118A>G, p.Lys1373Arg (NM_001160306.2); c.4376A>G, p.Lys1459Arg (NM_003895.4); short protein forms K1459R, K1373R.
Identifiers: ClinVar variation 1478300 (VCV001478300.6), dbSNP rs1245095366, ClinGen allele CA410081820.